The following is an entry in ClinVar:

NM_024422.6(DSC2):c.2039G>A (p.Arg680His)

Gene: DSC2 (desmocollin 2; minus strand). Cytogenetic location: 18q12.1.
Variant type: single nucleotide variant.
Coding change: c.2039G>A on transcript NM_024422.6 (MANE Select); coding-DNA position 2039, G replaced by A.
Protein change: p.Arg680His; replaces arginine 680 with histidine.
Molecular consequence: missense variant.
Genome position (GRCh38, 1-based): chr18:31,071,691, C>T on the plus strand (G>A on the coding strand, the complement: DSC2 is on the minus strand). VCF-style: chr18-31071691-C-T. GRCh37 (hg19) VCF-style: chr18-28651657-C-T.
Other names: c.2039G>A, p.Arg680His (NM_004949.5); short protein forms R680H.
Identifiers: ClinVar variation 851581 (VCV000851581.17), dbSNP rs374002111, ClinGen allele CA034404.

ClinVar aggregate classification (germline): Conflicting classifications of pathogenicity. Review status: criteria provided, conflicting classifications (1 of 4 stars). 4 submissions from 4 submitters: Uncertain significance (3); Likely benign (1). Last evaluated 2025-10-13.

Conditions:
Cardiovascular phenotype. Identifiers: MedGen CN230736.
Familial isolated arrhythmogenic right ventricular dysplasia. Identifiers: Orphanet 217656, MedGen C4274968, MONDO:0016342.
Cardiomyopathy (CMYO). Also called: Cardiomyopathies. Identifiers: Orphanet 167848, MedGen C0878544, MONDO:0004994, HP:0001638. Inheritance: Various modes of inheritance.
Arrhythmogenic right ventricular dysplasia 11. Also called: ARRHYTHMOGENIC RIGHT VENTRICULAR DYSPLASIA, FAMILIAL, 11; Arrhythmogenic Right Ventricular Dysplasia/Cardiomyopathy11; Arrhythmogenic right ventricular dysplasia 11 with mild palmoplantar keratoderma and woolly hair. Identifiers: MedGen C1864850, MONDO:0012506, OMIM 610476.

gnomAD v4.1: 12 of 1,614,098 alleles (0.00074%); highest among the groups gnomAD compares: Middle Eastern, 0.017%; no homozygotes.

Submissions (4):

Labcorp Genetics (formerly Invitae), Labcorp
Classification: Uncertain significance for Arrhythmogenic right ventricular dysplasia 11. Last evaluated: 2025-10-13. Review status: criteria provided, single submitter. Criteria: Invitae Variant Classification Sherloc (09022015). Collection method: clinical testing. Allele origin: germline.
Comment: This sequence change replaces arginine, which is basic and polar, with histidine, which is basic and polar, at codon 680 of the DSC2 protein (p.Arg680His). This variant is present in population databases (rs374002111, gnomAD 0.01%). This variant has not been reported in the literature in individuals affected with DSC2-related conditions. ClinVar contains an entry for this variant (Variation ID: 851581). Invitae Evidence Modeling of protein sequence and biophysical properties (such as structural, functional, and spatial information, amino acid conservation, physicochemical variation, residue mobility, and thermodynamic stability) indicates that this missense variant is not expected to disrupt DSC2 protein function with a negative predictive value of 80%. In summary, the available evidence is currently insufficient to determine the role of this variant in disease. Therefore, it has been classified as a Variant of Uncertain Significance.

All of Us Research Program, National Institutes of Health
Classification: Uncertain significance for Familial isolated arrhythmogenic right ventricular dysplasia. Last evaluated: 2024-09-23. Review status: criteria provided, single submitter. Criteria: ACMG Guidelines, 2015. Collection method: clinical testing. Allele origin: germline. Inheritance: Autosomal dominant inheritance. Observed: 3 variant alleles, 3 heterozygotes.
Comment: This missense variant replaces arginine with histidine at codon 680 of the DSC2 protein. Computational prediction suggests that this variant may not impact protein structure and function (internally defined REVEL score threshold <= 0.5, PMID: 27666373). Splice site prediction tools suggest that this variant may not impact RNA splicing. To our knowledge, functional studies have not been performed for this variant. This variant has not been reported in individuals affected with cardiovascular disorders in the literature. This variant has been identified in 4/250914 chromosomes in the general population by the Genome Aggregation Database (gnomAD). The available evidence is insufficient to determine the role of this variant in disease conclusively. Therefore, this variant is classified as a Variant of Uncertain Significance.

This study involves interpretation of variants in research participants for the purpose of population health screening. Participant phenotype was not available at the time of variant classification. Additional details can be found in publication PMID: 35346344, PMCID: PMC8962531

Color Diagnostics, LLC DBA Color Health
Classification: Uncertain significance for Cardiomyopathy. Last evaluated: 2024-03-06. Review status: criteria provided, single submitter. Criteria: ACMG Guidelines, 2015. Collection method: clinical testing. Allele origin: germline.
Comment: This missense variant replaces arginine with histidine at codon 680 of the DSC2 protein. Computational prediction suggests that this variant may not impact protein structure and function (internally defined REVEL score threshold <= 0.5, PMID: 27666373). To our knowledge, functional studies have not been reported for this variant. This variant has not been reported in individuals affected with cardiovascular disorders in the literature. This variant has been identified in 4/250914 chromosomes in the general population by the Genome Aggregation Database (gnomAD). The available evidence is insufficient to determine the role of this variant in disease conclusively. Therefore, this variant is classified as a Variant of Uncertain Significance.

Ambry Genetics
Classification: Likely benign for Cardiovascular phenotype. Last evaluated: 2023-04-27. Review status: criteria provided, single submitter. Criteria: Ambry Variant Classification Scheme 2023. Collection method: clinical testing. Allele origin: germline.